The following is an entry in ClinVar:

NM_174936.4(PCSK9):c.*614C>T

Gene: PCSK9 (proprotein convertase subtilisin/kexin type 9; plus strand). Cytogenetic location: 1p32.3.
Variant type: single nucleotide variant.
Coding change: c.*614C>T on transcript NM_174936.4 (MANE Select); 614 bases downstream of the stop codon, C replaced by T.
Molecular consequence: 3 prime UTR variant.
Genome position (GRCh38, 1-based): chr1:55,064,198, C>T. VCF-style: chr1-55064198-C-T. GRCh37 (hg19) VCF-style: chr1-55529871-C-T.
Other names: c.*614C>T (NM_001407240.1, NM_001407241.1, NM_001407242.1 and 5 more transcripts).
Identifiers: ClinVar variation 297735 (VCV000297735.6), dbSNP rs17111557, ClinGen allele CA10611425.
Genomic context (GRCh38, chr1:55,064,198, plus strand): 5'-GAGGCTGGAGACAGGTGCGCCCCTGGTGGTCACAGGCTGTGCCTTGGTTTCCTGAGCCAC[C>T]TTTACTCTGCTCTATGCCAGGCTGTGCTAGCAACACCCAAAGGTGGCCTGCGGGGAGCCA-3'

ClinVar aggregate classification (germline): Benign. Review status: criteria provided, single submitter (1 of 4 stars). 2 submissions from 1 submitter: Benign (2). Last evaluated 2018-01-13.

Conditions:
Hypobetalipoproteinemia. Identifiers: Orphanet 31154, MedGen C0020597, MONDO:0017774.
Hypercholesterolemia, autosomal dominant, 3 (FHCL3). Also called: PCSK9-Related Familial Hypercholesterolemia, Autosomal Dominant; Familial hypercholesterolemia 3; Familial Hypercholesterolemia, Autosomal Dominant, 3. Identifiers: MedGen C1863551, MONDO:0011369, OMIM 603776.

Allele frequency attached by ClinVar (database versions not stated): gnomAD exomes 0.00522; gnomAD 0.03123; TOPMed 0.03228; 1000 Genomes Project 0.03654; 1000 Genomes Project 30x 0.03935.
gnomAD v4.1: 4,664 of 155,302 alleles (3%); highest among the groups gnomAD compares: African/African-American, 8.8%; 182 homozygotes.

Submissions (2):

Illumina Laboratory Services, Illumina
Classification: Benign for Hypercholesterolemia, autosomal dominant, 3. Last evaluated: 2018-01-13. Review status: criteria provided, single submitter. Criteria: ICSL Variant Classification Criteria 13 December 2019. Collection method: clinical testing. Allele origin: germline.
Comment: This variant was observed in the ICSL laboratory as part of a predisposition screen in an ostensibly healthy population. It had not been previously curated by ICSL or reported in the Human Gene Mutation Database (HGMD: prior to June 1st, 2018), and was therefore a candidate for classification through an automated scoring system. Utilizing variant allele frequency, disease prevalence and penetrance estimates, and inheritance mode, an automated score was calculated to assess if this variant is too frequent to cause the disease. Based on the score and internal cut-off values, a variant classified as benign is not then subjected to further curation. The score for this variant resulted in a classification of benign for this disease.

Illumina Laboratory Services, Illumina
Classification: Benign for Hypobetalipoproteinemia. Last evaluated: 2018-01-13. Review status: criteria provided, single submitter. Criteria: ICSL Variant Classification Criteria 13 December 2019. Collection method: clinical testing. Allele origin: germline.
Comment: the same text as in the submission from Illumina Laboratory Services, Illumina above.